The following is an entry in ClinVar:

ClinVar aggregate classification (germline): Conflicting classifications of pathogenicity. Review status: criteria provided, conflicting classifications (1 of 4 stars). 4 submissions from 4 submitters: Uncertain significance (2); Likely benign (2). Last evaluated 2026-01-05.

Conditions:
Developmental and epileptic encephalopathy, 5 (DEE5). Identifiers: Orphanet 3451, MedGen C3150731, MONDO:0013277, OMIM 613477.
Early-infantile DEE. Also called: Ohtahara syndrome; Early infantile epileptic encephalopathy; Early infantile epileptic encephalopathy with suppression bursts. Identifiers: Orphanet 1934, MedGen C0393706, MONDO:0800491.
Inborn genetic diseases. Identifiers: MedGen C0950123, MeSH D030342.

Allele frequency attached by ClinVar (database versions not stated): ExAC 0.00002; gnomAD exomes 0.00002; gnomAD 0.00006; TOPMed 0.00007; ESP Exome Variant Server 0.00015.
gnomAD v4.1: 35 of 1,613,936 alleles (0.0022%); highest among the groups gnomAD compares: African/African-American, 0.012%; no homozygotes.

Submissions (4):

Labcorp Genetics (formerly Invitae), Labcorp
Classification: Uncertain significance for Early-infantile DEE. Last evaluated: 2026-01-05. Review status: criteria provided, single submitter. Criteria: Invitae Variant Classification Sherloc (09022015). Collection method: clinical testing. Allele origin: germline.
Comment: This sequence change replaces arginine, which is basic and polar, with tryptophan, which is neutral and slightly polar, at codon 1849 of the SPTAN1 protein (p.Arg1849Trp). This variant is present in population databases (rs148402616, gnomAD 0.02%). This variant has not been reported in the literature in individuals affected with SPTAN1-related conditions. ClinVar contains an entry for this variant (Variation ID: 207376). Invitae Evidence Modeling of protein sequence and biophysical properties (such as structural, functional, and spatial information, amino acid conservation, physicochemical variation, residue mobility, and thermodynamic stability) has been performed for this missense variant. However, the output from this modeling did not meet the statistical confidence thresholds required to predict the impact of this variant on SPTAN1 protein function. In summary, the available evidence is currently insufficient to determine the role of this variant in disease. Therefore, it has been classified as a Variant of Uncertain Significance.

Genome-Nilou Lab
Classification: Likely benign for Developmental and epileptic encephalopathy, 5. Last evaluated: 2021-07-15. Review status: criteria provided, single submitter. Criteria: ACMG Guidelines, 2015. Collection method: clinical testing. Allele origin: germline. Affected: no.

GeneDx
Classification: Likely benign. Last evaluated: 2020-12-31. Review status: criteria provided, single submitter. Criteria: GeneDx Variant Classification Process June 2021. Collection method: clinical testing. Allele origin: germline. Affected: yes.
Comment: This variant is associated with the following publications: (PMID: 31873310)

Ambry Genetics
Classification: Uncertain significance for Inborn genetic diseases. Last evaluated: 2018-06-12. Review status: criteria provided, single submitter. Criteria: Ambry Variant Classification Scheme 2023. Collection method: clinical testing. Allele origin: germline.
Comment: The p.R1849W variant (also known as c.5545C>T), located in coding exon 42 of the SPTAN1 gene, results from a C to T substitution at nucleotide position 5545. The arginine at codon 1849 is replaced by tryptophan, an amino acid with dissimilar properties. This amino acid position is highly conserved in available vertebrate species. In addition, this alteration is predicted to be deleterious by in silico analysis. Since supporting evidence is limited at this time, the clinical significance of this alteration remains unclear.

NM_001130438.3(SPTAN1):c.5545C>T (p.Arg1849Trp)

Gene: SPTAN1 (spectrin alpha, non-erythrocytic 1; plus strand). Cytogenetic location: 9q34.11.
Variant type: single nucleotide variant.
Coding change: c.5545C>T on transcript NM_001130438.3 (MANE Select); coding-DNA position 5545, C replaced by T.
Protein change: p.Arg1849Trp; replaces arginine 1849 with tryptophan.
Molecular consequence: missense variant.
Genome position (GRCh38, 1-based): chr9:128,618,053, C>T. VCF-style: chr9-128618053-C-T. GRCh37 (hg19) VCF-style: chr9-131380332-C-T.
Other names: p.R1849W:CGG>TGG; c.5470C>T, p.Arg1824Trp (NM_001195532.2); c.5545C>T, p.Arg1849Trp (NM_001363759.2); c.5485C>T, p.Arg1829Trp (NM_001363765.2); c.5530C>T, p.Arg1844Trp (NM_003127.4); short protein forms R1849W, R1844W, R1824W, R1829W.
Identifiers: ClinVar variation 207376 (VCV000207376.14), dbSNP rs148402616, ClinGen allele CA318780.
Genomic context (GRCh38, chr9:128,618,053, plus strand): 5'-CTGGACACTGGCAAGAAGCTGTCCGATGACAACACCATCGGGAAAGAGGAGATCCAGCAG[C>T]GGCTGGCGCAGTTTGTGGAGCACTGGAAAGAGCTGAAGCAGCTGGCAGCTGCCCGGTGAG-3'
Protein context (NP_001123910.1, residues 1839-1859): NTIGKEEIQQ[Arg1849Trp]LAQFVEHWKE